The following is an entry in ClinVar:

ClinVar aggregate classification (germline): Pathogenic. Review status: reviewed by expert panel (3 of 4 stars). 11 submissions from 11 submitters: Pathogenic (1). 10 of the submissions do not count toward it. Last evaluated 2016-09-08.

Conditions:
BRCA2-related disorder. Also called: BRCA2-related condition; BRCA2-related disorders. Identifiers: MedGen CN239275.
Hereditary cancer-predisposing syndrome. Also called: Neoplastic Syndromes, Hereditary; Tumor predisposition; Hereditary neoplastic syndrome; Hereditary Cancer Syndrome. Identifiers: Orphanet 140162, MedGen C0027672, MeSH D009386, MONDO:0015356.
Hereditary breast ovarian cancer syndrome. Also called: Hereditary breast and/or ovarian cancer syndrome; Hereditary breast and ovarian cancer syndrome; Hereditary breast and ovarian cancer; Hereditary breast and ovarian cancer syndrome (HBOC); Breast and ovarian cancer; BRCA1- and BRCA2-Associated Hereditary Breast and Ovarian Cancer. Identifiers: Orphanet 145, MedGen C0677776, MeSH D061325, MONDO:0003582. Disease mechanism: loss of function.
Breast-ovarian cancer, familial, susceptibility to, 2 (BROVCA2). Also called: BRCA2 Hereditary Breast and Ovarian Cancer. Identifiers: Orphanet 145, MedGen C2675520, MONDO:0012933, OMIM 612555. Disease mechanism: loss of function.
Familial cancer of breast. Also called: Hereditary breast cancer; BREAST CANCER, FAMILIAL; hereditary breast carcinoma. Identifiers: Orphanet 227535, MedGen C0346153, MONDO:0016419, OMIM 114480. Disease mechanism: loss of function.

Submissions (11):

Evidence-based Network for the Interpretation of Germline Mutant Alleles (ENIGMA)
Classification: Pathogenic for Breast-ovarian cancer, familial, susceptibility to, 2. Last evaluated: 2016-09-08. Review status: reviewed by expert panel. Criteria: ENIGMA BRCA1/2 Classification Criteria (2015). Collection method: curation. Allele origin: germline.
Comment: Variant allele predicted to encode a truncated non-functional protein.

Labcorp Genetics (formerly Invitae), Labcorp
Classification: Pathogenic for Hereditary breast ovarian cancer syndrome. Last evaluated: 2025-12-30. Review status: criteria provided, single submitter. Criteria: Invitae Variant Classification Sherloc (09022015). Collection method: clinical testing. Allele origin: germline. Not counted in ClinVar's aggregate classification.
Comment: This sequence change creates a premature translational stop signal (p.Met794Asnfs*8) in the BRCA2 gene. It is expected to result in an absent or disrupted protein product. Loss-of-function variants in BRCA2 are known to be pathogenic (PMID: 20104584). This variant is not present in population databases (gnomAD no frequency). This premature translational stop signal has been observed in individual(s) with high risk of breast and/or ovarian cancer (PMID: 29446198). ClinVar contains an entry for this variant (Variation ID: 182309). For these reasons, this variant has been classified as Pathogenic.

PreventionGenetics, part of Exact Sciences
Classification: Pathogenic for BRCA2-related condition. Last evaluated: 2025-08-18. Review status: criteria provided, single submitter. Criteria: ACMG Guidelines, 2015. Collection method: clinical testing. Allele origin: germline. Not counted in ClinVar's aggregate classification.
Comment: The BRCA2 c.2380dupA variant is predicted to result in a frameshift and premature protein termination (p.Met794Asnfs*8). This variant was reported in individuals with a personal and/or family history of breast and/or ovarian cancer (Table S2, Guindalini et al. 2019. PubMed ID: 30154229; Supplementary Table 1, Rebbeck et al. 2018. PubMed ID: 29446198). This variant has not been reported in a large population database, indicating this variant is rare. This variant has an interpretation of pathogenic in ClinVar (Variation ID: 182309). Frameshift variants in BRCA2 are expected to be pathogenic. This variant is interpreted as pathogenic.

Quest Diagnostics Nichols Institute San Juan Capistrano
Classification: Pathogenic. Last evaluated: 2025-02-17. Review status: criteria provided, single submitter. Criteria: Quest Diagnostics criteria. Collection method: clinical testing. Allele origin: unknown. Not counted in ClinVar's aggregate classification.
Comment: The BRCA2 c.2380dup (p.Met794Asnfs*8) variant alters the translational reading frame of the BRCA2 mRNA and causes the premature termination of BRCA2 protein synthesis. This variant has been reported in the published literature in individuals with breast cancer (PMID: 38890714 (2024), 30154229 (2019)). This variant has not been reported in large, multi-ethnic general populations (Genome Aggregation Database). Based on the available information, this variant is classified as pathogenic.

Baylor Genetics
Classification: Pathogenic for Familial cancer of breast. Last evaluated: 2022-07-25. Review status: criteria provided, single submitter. Criteria: ACMG Guidelines, 2015. Collection method: clinical testing. Allele origin: unknown. Not counted in ClinVar's aggregate classification.

Ambry Genetics
Classification: Pathogenic for Hereditary cancer-predisposing syndrome. Last evaluated: 2022-06-28. Review status: criteria provided, single submitter. Criteria: Ambry Variant Classification Scheme 2023. Collection method: clinical testing. Allele origin: germline. Not counted in ClinVar's aggregate classification.
Comment: The c.2380dupA pathogenic mutation, located in coding exon 10 of the BRCA2 gene, results from a duplication of A at nucleotide position 2380, causing a translational frameshift with a predicted alternate stop codon (p.M794Nfs*8). This alteration is expected to result in loss of function by premature protein truncation or nonsense-mediated mRNA decay. As such, this alteration is interpreted as a disease-causing mutation.

Consortium of Investigators of Modifiers of BRCA1/2 (CIMBA), c/o University of Cambridge
Classification: Pathogenic for Breast-ovarian cancer, familial, susceptibility to, 2. Last evaluated: 2015-10-02. Review status: criteria provided, single submitter. Criteria: CIMBA Mutation Classification guidelines May 2016. Collection method: clinical testing. Allele origin: germline. Not counted in ClinVar's aggregate classification.

GeneDx
Classification: Pathogenic. Last evaluated: 2014-09-16. Review status: criteria provided, single submitter. Criteria: GeneDx Variant Classification (06012015). Collection method: clinical testing. Allele origin: germline. Affected: yes. Not counted in ClinVar's aggregate classification.
Comment: This duplication of one nucleotide in BRCA2 is denoted c.2380dupA at the cDNA level and p.Met794AsnfsX8 (M794NfsX8) at the protein level. The normal sequence, with the bases that are duplicated in brackets, is CAAA[A]TGTC. The duplication causes a frameshift, which changes a Methionine to an Asparagine at codon 794, and creates a premature stop codon at position 8 of the new reading frame. Although this variant has not, to our knowledge, been reported in the literature, it is predicted to cause loss of normal protein function through either protein truncation or nonsense-mediated mRNA decay. we consider this variant to be pathogenic.

Counsyl
Classification: Likely pathogenic for Breast-ovarian cancer, familial, susceptibility to, 2. Last evaluated: 2016-12-28. Review status: no assertion criteria provided. Collection method: clinical testing. Allele origin: unknown. Not counted in ClinVar's aggregate classification.

Research Molecular Genetics Laboratory, Women's College Hospital, University of Toronto
Classification: Pathogenic for Hereditary breast ovarian cancer syndrome. Last evaluated: 2014-01-31. Review status: no assertion criteria provided. Collection method: research. Allele origin: germline. Affected: yes. Study: The Canadian Open Genetics Repository (COGR). Not counted in ClinVar's aggregate classification.

Sharing Clinical Reports Project (SCRP)
Classification: Pathogenic for Breast-ovarian cancer, familial 2. Last evaluated: 2013-11-05. Review status: no assertion criteria provided. Collection method: clinical testing. Allele origin: germline. Not counted in ClinVar's aggregate classification.

Literature cited by the submitters: PubMed 20104584 (cited by Labcorp Genetics (formerly Invitae), Labcorp); PubMed 29446198 (cited by Labcorp Genetics (formerly Invitae), Labcorp and Quest Diagnostics Nichols Institute San Juan Capistrano); PubMed 30154229 (cited by Quest Diagnostics Nichols Institute San Juan Capistrano); PubMed 38890714 (cited by Quest Diagnostics Nichols Institute San Juan Capistrano).

NM_000059.4(BRCA2):c.2380dup (p.Met794fs)

Gene: BRCA2 (BRCA2 DNA repair associated; plus strand). Cytogenetic location: 13q13.1.
Variant type: Duplication.
Coding change: c.2380dup on transcript NM_000059.4 (MANE Select); coding-DNA position 2380, one base duplicated (A; older notation c.2380dupA).
Protein change: p.Met794fs; shifts the reading frame from methionine 794.
Molecular consequence: frameshift variant.
Genome position (GRCh38, 1-based): chr13:32,336,735, A duplicated; the last of 4 consecutive A bases (chr13:32,336,732-32,336,735); duplicating any one gives the same sequence. VCF-style (leftmost placement, unchanged base first): chr13-32336731-C-CA. GRCh37 (hg19) VCF-style: chr13-32910868-C-CA.
Other names: 2608INSA; c.2380dupA (NM_000059.3); short protein forms M794fs.
Identifiers: ClinVar variation 182309 (VCV000182309.24), dbSNP rs730881602, ClinGen allele CA015082.